The following is an entry in ClinVar:

NM_004959.5(NR5A1):c.445C>G (p.Pro149Ala)

Gene: NR5A1 (nuclear receptor subfamily 5 group A member 1; minus strand). Cytogenetic location: 9q33.3.
Variant type: single nucleotide variant.
Coding change: c.445C>G on transcript NM_004959.5 (MANE Select); coding-DNA position 445, C replaced by G.
Protein change: p.Pro149Ala; replaces proline 149 with alanine.
Molecular consequence: missense variant.
Genome position (GRCh38, 1-based): chr9:124,500,515, G>C on the plus strand (C>G on the coding strand, the complement: NR5A1 is on the minus strand). VCF-style: chr9-124500515-G-C. GRCh37 (hg19) VCF-style: chr9-127262794-G-C.
Other names: short protein forms P149A.
Identifiers: ClinVar variation 3897376 (VCV003897376.1).

ClinVar aggregate classification (germline): Uncertain significance (1 of 4 stars; one submission).

Submission:

GeneDx
Classification: Uncertain significance. Last evaluated: 2024-10-29. Review status: criteria provided, single submitter. Criteria: GeneDx Variant Classification Process June 2021. Collection method: clinical testing. Allele origin: germline. Affected: yes.
Comment: Not observed at significant frequency in large population cohorts (gnomAD); In silico analysis indicates that this missense variant does not alter protein structure/function; Has not been previously published as pathogenic or benign to our knowledge